The following is an entry in ClinVar:

ClinVar aggregate classification (germline): Benign. Review status: criteria provided, multiple submitters, no conflicts (2 of 4 stars). 2 submissions from 2 submitters: Benign (2). Last evaluated 2026-01-27.

Allele frequency attached by ClinVar (database versions not stated): gnomAD exomes 0.00112 and 0.00260; ExAC 0.00319; gnomAD 0.00929 and 0.00999; ESP Exome Variant Server 0.01022; TOPMed 0.01044; 1000 Genomes Project 0.01078; 1000 Genomes Project 30x 0.01109.
gnomAD v4.1: 3,062 of 1,604,496 alleles (0.19%); highest among the groups gnomAD compares: African/African-American, 3.1%; 45 homozygotes.

Submissions (2):

Labcorp Genetics (formerly Invitae), Labcorp
Classification: Benign. Last evaluated: 2026-01-27. Review status: criteria provided, single submitter. Criteria: Invitae Variant Classification Sherloc (09022015). Collection method: clinical testing. Allele origin: germline.

GeneDx
Classification: Benign. Last evaluated: 2017-06-26. Review status: criteria provided, single submitter. Criteria: GeneDx Variant Classification (06012015). Collection method: clinical testing. Allele origin: germline. Affected: yes.
Comment: This variant is considered likely benign or benign based on one or more of the following criteria: it is a conservative change, it occurs at a poorly conserved position in the protein, it is predicted to be benign by multiple in silico algorithms, and/or has population frequency not consistent with disease.

NM_173630.4(RTTN):c.694-19C>T

Gene: RTTN (rotatin; minus strand). Cytogenetic location: 18q22.2.
Variant type: single nucleotide variant.
Coding change: c.694-19C>T on transcript NM_173630.4 (MANE Select); 19 bases into the intron before coding-DNA position 694, C replaced by T.
Molecular consequence: intron variant.
Genome position (GRCh38, 1-based): chr18:70,196,667, G>A on the plus strand (C>T on the coding strand, the complement: RTTN is on the minus strand). VCF-style: chr18-70196667-G-A. GRCh37 (hg19) VCF-style: chr18-67863903-G-A.
Other names: c.-1860-19C>T (NM_001318520.2).
Identifiers: ClinVar variation 516913 (VCV000516913.9), dbSNP rs73966831, ClinGen allele CA8996394.